The following is an entry in ClinVar:

NM_003073.5(SMARCB1):c.8T>A (p.Met3Lys)

Gene: SMARCB1 (SWI/SNF related BAF chromatin remodeling complex subunit B1; plus strand). Cytogenetic location: 22q11.23.
Variant type: single nucleotide variant.
Coding change: c.8T>A on transcript NM_003073.5 (MANE Select); coding-DNA position 8, T replaced by A.
Protein change: p.Met3Lys; replaces methionine 3 with lysine.
Molecular consequence: missense variant.
Genome position (GRCh38, 1-based): chr22:23,787,177, T>A. VCF-style: chr22-23787177-T-A. GRCh37 (hg19) VCF-style: chr22-24129364-T-A.
Other names: c.8T>A, p.Met3Lys (NM_001007468.3, NM_001317946.2, NM_001362877.2); short protein forms M3K.
Identifiers: ClinVar variation 2736303 (VCV002736303.3), dbSNP rs2517652412, ClinGen allele CA410930374.

ClinVar aggregate classification (germline): Uncertain significance (1 of 4 stars; one submission).

Submission:

Labcorp Genetics (formerly Invitae), Labcorp
Classification: Uncertain significance. Last evaluated: 2023-07-28. Review status: criteria provided, single submitter. Criteria: Invitae Variant Classification Sherloc (09022015). Collection method: clinical testing. Allele origin: germline.
Comment: This variant is not present in population databases (gnomAD no frequency). This sequence change replaces methionine, which is neutral and non-polar, with lysine, which is basic and polar, at codon 3 of the SMARCB1 protein (p.Met3Lys). This variant has not been reported in the literature in individuals affected with SMARCB1-related conditions. In summary, the available evidence is currently insufficient to determine the role of this variant in disease. Therefore, it has been classified as a Variant of Uncertain Significance. An algorithm developed to predict the effect of missense changes on protein structure and function (PolyPhen-2) suggests that this variant is likely to be tolerated.